The following is an entry in ClinVar:

NM_001005273.3(CHD3):c.1944C>T (p.His648=)

Gene: CHD3 (chromodomain helicase DNA binding protein 3; plus strand). Cytogenetic location: 17p13.1.
Variant type: single nucleotide variant.
Coding change: c.1944C>T on transcript NM_001005273.3 (MANE Select); coding-DNA position 1944, C replaced by T.
Protein change: p.His648=; no amino-acid change (histidine 648 retained).
Molecular consequence: synonymous variant.
Genome position (GRCh38, 1-based): chr17:7,897,995, C>T. VCF-style: chr17-7897995-C-T. GRCh37 (hg19) VCF-style: chr17-7801313-C-T.
Other names: c.2121C>T, p.His707= (NM_001005271.3); c.1944C>T, p.His648= (NM_005852.4).
Identifiers: ClinVar variation 792355 (VCV000792355.28), dbSNP rs368579336, ClinGen allele CA8362779.

ClinVar aggregate classification (germline): Likely benign. Review status: criteria provided, multiple submitters, no conflicts (2 of 4 stars). 2 submissions from 2 submitters: Likely benign (2). Last evaluated 2023-07-01.

Allele frequency attached by ClinVar (database versions not stated): gnomAD 0.00001; gnomAD exomes 0.00001 and 0.00002; ExAC 0.00002; TOPMed 0.00003; ESP Exome Variant Server 0.00008.
gnomAD v4.1: 22 of 1,613,946 alleles (0.0014%); highest among the groups gnomAD compares: Non-Finnish European, 0.0017%; no homozygotes.

Submissions (2):

CeGaT Center for Human Genetics Tuebingen
Classification: Likely benign. Last evaluated: 2023-07-01. Review status: criteria provided, single submitter. Criteria: CeGaT Center For Human Genetics Tuebingen Variant Classification Criteria Version 2. Collection method: clinical testing. Allele origin: germline. Affected: yes. Observed: 1 variant allele.
Comment: CHD3: BP4, BS2

Labcorp Genetics (formerly Invitae), Labcorp
Classification: Likely benign. Last evaluated: 2018-10-11. Review status: criteria provided, single submitter. Criteria: Invitae Variant Classification Sherloc (09022015). Collection method: clinical testing. Allele origin: germline.